The following is an entry in ClinVar:

NM_001122955.4(BSCL2):c.985C>T (p.Arg329Ter)

Genes: BSCL2 (BSCL2 lipid droplet biogenesis associated, seipin; minus strand), HNRNPUL2-BSCL2 (HNRNPUL2-BSCL2 readthrough (NMD candidate); minus strand). Cytogenetic location: 11q12.3.
Variant type: single nucleotide variant.
Coding change: c.985C>T on transcript NM_001122955.4 (MANE Select); coding-DNA position 985, C replaced by T.
Protein change: p.Arg329Ter; replaces arginine 329 with a stop codon.
Molecular consequence: nonsense. On other transcripts: non-coding transcript variant (1), intron variant (1).
Genome position (GRCh38, 1-based): chr11:62,691,300, G>A on the plus strand (C>T on the coding strand, the complement: BSCL2 is on the minus strand). VCF-style: chr11-62691300-G-A. GRCh37 (hg19) VCF-style: chr11-62458772-G-A.
Other names: 985C-T; c.985C>T, p.Arg329Ter (NM_001386027.1, NM_001386028.1); c.793C>T, p.Arg265Ter (NM_032667.6); c.672-159C>T (NM_001130702.2); short protein forms R329*.
Identifiers: ClinVar variation 143858 (VCV000143858.16), dbSNP rs587777606, ClinGen allele CA170512.
Genomic context (GRCh38, chr11:62,691,300, plus strand): 5'-AAGATCAAAGGGACAAAAGGGGGTCCTTGCCCCTTTCGACCTGCAAAGAGAAGCGGTGTC[G>A]GGGCCAGATGCCCCCCCACACCCACTGCATGTAGCTGAAGAGCACGATGACGCTGAGGAA-3'

ClinVar aggregate classification (germline): Pathogenic. Review status: criteria provided, multiple submitters, no conflicts (2 of 4 stars). 7 submissions from 7 submitters: Pathogenic (4). 3 of the submissions do not count toward it. Last evaluated 2024-08-26.

Conditions:
Berardinelli-Seip congenital lipodystrophy. Identifiers: Orphanet 528, MedGen CN262437, MONDO:0018883.
Congenital generalized lipodystrophy type 2 (CGL2). Also called: BERARDINELLI SYNDROME; BRUNZELL SYNDROME, BSCL2-RELATED; Berardinelli-Seip Congenital Lipodystrophy Type 2; SEIP SYNDROME. Identifiers: Orphanet 528, Orphanet 696289, MedGen C1720863, MONDO:0010020, OMIM 269700.
Severe neurodegenerative syndrome with lipodystrophy. Also called: ENCEPHALOPATHY, PROGRESSIVE, WITH LIPODYSTROPHY; Encephalopathy, progressive, with or without lipodystrophy. Identifiers: Orphanet 363400, MedGen C4014700, MONDO:0014402, OMIM 615924.
Charcot-Marie-Tooth disease type 2. Also called: Charcot-Marie-Tooth type 2. Identifiers: Orphanet 64746, MedGen C0270914, MONDO:0018993.

Allele frequency attached by ClinVar (database versions not stated): gnomAD exomes below 0.00001 and 0.00001; gnomAD 0.00001; ExAC 0.00001.
gnomAD v4.1: 19 of 1,613,974 alleles (0.0012%); highest among the groups gnomAD compares: African/African-American, 0.0027%; no homozygotes.

Submissions (7):

Labcorp Genetics (formerly Invitae), Labcorp
Classification: Pathogenic for Charcot-Marie-Tooth disease type 2. Last evaluated: 2024-08-26. Review status: criteria provided, single submitter. Criteria: Invitae Variant Classification Sherloc (09022015). Collection method: clinical testing. Allele origin: germline.
Comment: This sequence change creates a premature translational stop signal (p.Arg265*) in the BSCL2 gene. It is expected to result in an absent or disrupted protein product. Loss-of-function variants in BSCL2 are known to be pathogenic (PMID: 11479539, 23564749). This variant is present in population databases (rs587777606, gnomAD 0.004%). This premature translational stop signal has been observed in individual(s) with BSCL2-related progressive encephalopathy with or without lipodystrophy (PMID: 23564749, 27452399). In at least one individual the data is consistent with being in trans (on the opposite chromosome) from a pathogenic variant. This variant is also known as c.985C>T (p.Arg329*). ClinVar contains an entry for this variant (Variation ID: 143858). For these reasons, this variant has been classified as Pathogenic.

3billion
Classification: Pathogenic for Severe neurodegenerative syndrome with lipodystrophy. Last evaluated: 2023-08-07. Review status: criteria provided, single submitter. Criteria: ACMG Guidelines, 2015. Collection method: clinical testing. Allele origin: germline. Affected: yes.
Comment: The variant is observed at an extremely low frequency in the gnomAD v2.1.1 dataset (total allele frequency: 0.000%). Predicted Consequence/Location: Stop-gained (nonsense): predicted to result in a loss or disruption of normal protein function through nonsense-mediated decay (NMD) or protein truncation. Multiple pathogenic variants are reported downstream of the variant. The variant has been reported at least twice as pathogenic without evidence for the classification (ClinVar ID: VCV000143858 /PMID: 23564749). Therefore, this variant is classified as Pathogenic according to the recommendation of ACMG/AMP guideline.

Mendelics
Classification: Pathogenic for Congenital generalized lipodystrophy type 2. Last evaluated: 2019-05-28. Review status: criteria provided, single submitter. Criteria: Mendelics Assertion Criteria 2017. Collection method: clinical testing. Allele origin: unknown.

Juno Genomics, Hangzhou Juno Genomics, Inc
Classification: Pathogenic for Severe neurodegenerative syndrome with lipodystrophy; Congenital generalized lipodystrophy type 2. Review status: criteria provided, single submitter. Criteria: ACMG Guidelines, 2015. Collection method: clinical testing. Allele origin: germline.
Comment: Absent from controls (or at extremely low frequency if recessive) in Genome Aggregation Database.;Null variant in a gene where loss of function (LOF) is a known mechanism of disease.;For recessive disorders, detected in trans with a pathogenic variant.;Patient's phenotype or family history is highly specific for a disease with a single genetic etiology.

Inherited Neuropathy Consortium Ii, University Of Miami
Classification: Uncertain significance for Berardinelli-Seip congenital lipodystrophy. Last evaluated: 2016-01-06. Review status: no assertion criteria provided. Collection method: literature only. Allele origin: germline. Affected: yes. Not counted in ClinVar's aggregate classification.

OMIM
Classification: Pathogenic for ENCEPHALOPATHY, PROGRESSIVE, WITH OR WITHOUT LIPODYSTROPHY. Last evaluated: 2013-06-01. Review status: no assertion criteria provided. Collection method: literature only. Allele origin: germline. Not counted in ClinVar's aggregate classification.

GeneReviews
No classification provided. Condition: Congenital generalized lipodystrophy type 2. Review status: no classification provided. Collection method: literature only. Allele origin: germline. Affected: yes. Not counted in ClinVar's aggregate classification.

Literature cited by the submitters: PubMed 11479539 (cited by Labcorp Genetics (formerly Invitae), Labcorp); PubMed 23564749 (cited by 3 submitters); PubMed 27452399 (cited by Labcorp Genetics (formerly Invitae), Labcorp); PubMed 16735770 (cited by Inherited Neuropathy Consortium Ii, University Of Miami); NCBI Bookshelf NBK1212 (cited by GeneReviews).